The following is an entry in ClinVar:

ClinVar aggregate classification (germline): Pathogenic (1 of 4 stars; one submission).

Conditions:
Bernard Soulier syndrome (BSS). Also called: Platelet Glycoprotein 1b, Deficiency of; BLEEDING DISORDER, PLATELET-TYPE, 1; PLATELET GLYCOPROTEIN Ib DEFICIENCY; VON WILLEBRAND FACTOR RECEPTOR DEFICIENCY; GLYCOPROTEIN Ib, PLATELET, DEFICIENCY OF; Giant platelet syndrome. Identifiers: Orphanet 274, MedGen C0005129, MeSH D001606, MONDO:0009276, OMIM 231200.

Submission:

ISTH-SSC Genomics in Thrombosis and Hemostasis, KU Leuven, Center for Molecular and Vascular Biology
Classification: Pathogenic for Bernard Soulier syndrome. Review status: criteria provided, single submitter. Criteria: ACMG Guidelines, 2015. Collection method: clinical testing. Allele origin: germline. Affected: yes. Observed: 1 homozygote.
Comment: Submitted to GoldVariant by Jose María Bastida and José Rivera; Grupo Español de Alteraciones Plaquetarias Congénitas (GEAPC)

NM_000173.7(GP1BA):c.1846_1852del (p.Asn616fs)

Genes: GP1BA (glycoprotein Ib platelet subunit alpha; plus strand), LOC130060044 (ATAC-STARR-seq lymphoblastoid active region 11554; plus strand). Cytogenetic location: 17p13.2.
Variant type: Deletion.
Coding change: c.1846_1852del on transcript NM_000173.7 (MANE Select); coding-DNA positions 1846 to 1852, 7 bases deleted (AATGGCC; older notation c.1846_1852delAATGGCC).
Protein change: p.Asn616fs; shifts the reading frame from asparagine 616.
Molecular consequence: frameshift variant.
Genome position (GRCh38, 1-based): chr17:4,934,450-4,934,456, AATGGCC deleted. VCF-style (leftmost placement, unchanged base first): chr17-4934449-TAATGGCC-T. GRCh37 (hg19) VCF-style: chr17-4837744-TAATGGCC-T.
Other names: c.1846_1852delAATGGCC (NM_000173.7); short protein forms N616fs.
Identifiers: ClinVar variation 1703858 (VCV001703858.2), dbSNP rs2507595200, ClinGen allele CA2580093526.